The following is an entry in ClinVar:

ClinVar aggregate classification (germline): Uncertain significance. Review status: criteria provided, multiple submitters, no conflicts (2 of 4 stars). 2 submissions from 2 submitters: Uncertain significance (2). Last evaluated 2024-12-27.

Conditions:
Cardiovascular phenotype. Identifiers: MedGen CN230736.

Allele frequency attached by ClinVar (database versions not stated): ExAC 0.00001; gnomAD 0.00001; gnomAD exomes 0.00001; TOPMed 0.00001.
gnomAD v4.1: 10 of 1,614,046 alleles (0.00062%); highest among the groups gnomAD compares: African/African-American, 0.004%; no homozygotes.

Submissions (2):

Women's Health and Genetics/Laboratory Corporation of America, LabCorp
Classification: Uncertain significance. Last evaluated: 2024-12-27. Review status: criteria provided, single submitter. Criteria: LabCorp Variant Classification Summary - May 2015. Collection method: clinical testing. Allele origin: germline.

Ambry Genetics
Classification: Uncertain significance for Cardiovascular phenotype. Last evaluated: 2024-07-25. Review status: criteria provided, single submitter. Criteria: Ambry Variant Classification Scheme 2023. Collection method: clinical testing. Allele origin: germline.
Comment: The p.F2931L variant (also known as c.8791T>C), located in coding exon 10 of the ALMS1 gene, results from a T to C substitution at nucleotide position 8791. The phenylalanine at codon 2931 is replaced by leucine, an amino acid with highly similar properties. This amino acid position is not well conserved in available vertebrate species. In addition, this alteration is predicted to be tolerated by in silico analysis. Since supporting evidence is limited at this time, the clinical significance of this alteration remains unclear.

NM_001378454.1(ALMS1):c.8788T>C (p.Phe2930Leu)

Gene: ALMS1 (ALMS1 centrosome and basal body associated protein; plus strand). Cytogenetic location: 2p13.1.
Variant type: single nucleotide variant.
Coding change: c.8788T>C on transcript NM_001378454.1 (MANE Select); coding-DNA position 8788, T replaced by C.
Protein change: p.Phe2930Leu; replaces phenylalanine 2930 with leucine.
Molecular consequence: missense variant.
Genome position (GRCh38, 1-based): chr2:73,490,747, T>C. VCF-style: chr2-73490747-T-C. GRCh37 (hg19) VCF-style: chr2-73717874-T-C.
Other names: c.8791T>C, p.Phe2931Leu (NM_015120.4); short protein forms F2930L, F2931L.
Identifiers: ClinVar variation 1764668 (VCV001764668.4), dbSNP rs751893253, ClinGen allele CA1714543.